The following is an entry in ClinVar:

ClinVar aggregate classification (germline): Pathogenic. Review status: criteria provided, multiple submitters, no conflicts (2 of 4 stars). 2 submissions from 2 submitters: Pathogenic (2). Last evaluated 2021-04-02.

Conditions:
Ellis-van Creveld syndrome (EVC). Also called: MESOECTODERMAL DYSPLASIA; Chondroectodermal dysplasia; EVC-Related Ellis-van Creveld Syndrome; EVC2-Related Ellis-van Creveld Syndrome. Identifiers: Orphanet 289, MedGen C0013903, MONDO:0009162, OMIM 225500.
Curry-Hall syndrome (WAD). Also called: WEYERS ACRODENTAL DYSOSTOSIS. Identifiers: Orphanet 952, MedGen C0457013, MONDO:0008673, OMIM 193530.

Allele frequency attached by ClinVar (database versions not stated): gnomAD exomes below 0.00001; ExAC 0.00001.
gnomAD v4.1: 2 of 1,614,128 alleles (0.00012%); highest among the groups gnomAD compares: South Asian, 0.0022%; no homozygotes.

Submissions (2):

Labcorp Genetics (formerly Invitae), Labcorp
Classification: Pathogenic for Curry-Hall syndrome; Ellis-van Creveld syndrome. Last evaluated: 2021-04-02. Review status: criteria provided, single submitter. Criteria: Invitae Variant Classification Sherloc (09022015). Collection method: clinical testing. Allele origin: germline.
Comment: This sequence change creates a premature translational stop signal (p.Gln562*) in the EVC gene. It is expected to result in an absent or disrupted protein product. Loss-of-function variants in EVC are known to be pathogenic (PMID: 23220543). For these reasons, this variant has been classified as Pathogenic. This variant has not been reported in the literature in individuals with EVC-related conditions. ClinVar contains an entry for this variant (Variation ID: 455999). This variant is present in population databases (rs751772225, ExAC 0.006%).

ARUP Laboratories, Molecular Genetics and Genomics, ARUP Laboratories
Classification: Pathogenic. Last evaluated: 2019-12-11. Review status: criteria provided, single submitter. Criteria: ARUP Molecular Germline Variant Investigation Process. Collection method: clinical testing. Allele origin: germline.
Comment: The EVC c.1684C>T; p.Gln562Ter variant (rs751772225), to our knowledge, is not reported in the medical literature but is reported in ClinVar (Variation ID: 455999). This variant is only observed on one allele in the Genome Aggregation Database, indicating it is not a common polymorphism. This variant induces an early termination codon and is predicted to result in a truncated protein or mRNA subject to nonsense-mediated decay. Additionally, several downstream truncating variants have been described in individuals with Ellis-van Creveld syndrome and are considered pathogenic (Nguyen 2016, Tompson 2007). References: Nguyen TQ et al. Truncation and microdeletion of EVC/EVC2 with missense mutation of EFCAB7 in Ellis-van Creveld syndrome. Congenit Anom (Kyoto). 2016 Sep;56(5):209-16. Tompson SW et al. Sequencing EVC and EVC2 identifies mutations in two-thirds of Ellis-van Creveld syndrome patients. Hum Genet. 2007 Jan;120(5):663-70.

Literature cited by the submitters: PubMed 23220543 (cited by Labcorp Genetics (formerly Invitae), Labcorp).

NM_153717.3(EVC):c.1684C>T (p.Gln562Ter)

Gene: EVC (EvC ciliary complex subunit 1; plus strand). Cytogenetic location: 4p16.2.
Variant type: single nucleotide variant.
Coding change: c.1684C>T on transcript NM_153717.3 (MANE Select); coding-DNA position 1684, C replaced by T.
Protein change: p.Gln562Ter; replaces glutamine 562 with a stop codon.
Molecular consequence: nonsense.
Genome position (GRCh38, 1-based): chr4:5,783,672, C>T. VCF-style: chr4-5783672-C-T. GRCh37 (hg19) VCF-style: chr4-5785399-C-T.
Other names: c.1684C>T, p.Gln562Ter (NM_001306090.2); short protein forms Q562*.
Identifiers: ClinVar variation 455999 (VCV000455999.16), dbSNP rs751772225, ClinGen allele CA2836221.
Genomic context (GRCh38, chr4:5,783,672, plus strand): 5'-ACGCTCCCTGGCATGACTGGCCTCCCCCCGGAAGAGTGTGACTACTTGAGGCAGGAAGTC[C>T]AGGAGAACGCTGCCTGGCAGCTGGGGAAGTCAAATCGCTTCCGGAGGCAGCAGTGGAAAC-3'